The following is an entry in ClinVar:

NM_001267550.2(TTN):c.63023C>T (p.Thr21008Ile)

Genes: TTN (titin; minus strand), TTN-AS1 (TTN antisense RNA 1; plus strand). Cytogenetic location: 2q31.2.
Variant type: single nucleotide variant.
Coding change: c.63023C>T on transcript NM_001267550.2 (MANE Select); coding-DNA position 63023, C replaced by T.
Protein change: p.Thr21008Ile; replaces threonine 21008 with isoleucine.
Molecular consequence: missense variant.
Genome position (GRCh38, 1-based): chr2:178,588,702, G>A on the plus strand (C>T on the coding strand, the complement: TTN is on the minus strand). VCF-style: chr2-178588702-G-A. GRCh37 (hg19) VCF-style: chr2-179453429-G-A.
Other names: p.T18440I:ACA>ATA; p.Thr19367Ile; c.58100C>T, p.Thr19367Ile (NM_001256850.1); c.35828C>T, p.Thr11943Ile (NM_003319.4); c.55319C>T, p.Thr18440Ile (NM_133378.4); c.36203C>T, p.Thr12068Ile (NM_133432.3); c.36404C>T, p.Thr12135Ile (NM_133437.4); short protein forms T21008I, T18440I, T19367I, T12135I, T11943I, T12068I.
Identifiers: ClinVar variation 47188 (VCV000047188.85), dbSNP rs72646850, ClinGen allele CA283570.

ClinVar aggregate classification (germline): Benign/Likely benign. Review status: criteria provided, multiple submitters, no conflicts (2 of 4 stars). 32 submissions from 25 submitters: Benign (17); Likely benign (8). 7 of the submissions do not count toward it. Last evaluated 2026-09-01.

Conditions:
Cardiomyopathy (CMYO). Also called: Cardiomyopathies. Identifiers: Orphanet 167848, MedGen C0878544, MONDO:0004994, HP:0001638. Inheritance: Various modes of inheritance.
Hypertrophic cardiomyopathy. Also called: HYPERTROPHIC MYOCARDIOPATHY. Identifiers: Orphanet 217569, MedGen C0007194, MeSH D002312, MONDO:0005045, HP:0001639.
Congestive heart failure. Identifiers: MedGen C0018802, MONDO:0005009, HP:0001635.
Cardiovascular phenotype. Identifiers: MedGen CN230736.
Dilated cardiomyopathy 1G (CMD1G). Identifiers: Orphanet 154, MedGen C1858763, MONDO:0011400, OMIM 604145.
Autosomal recessive limb-girdle muscular dystrophy type 2J (LGMDR10). Also called: MUSCULAR DYSTROPHY, LIMB-GIRDLE, AUTOSOMAL RECESSIVE 10; Limb-girdle muscular dystrophy, type 2J. Identifiers: Orphanet 140922, MedGen C1837342, MONDO:0012127, OMIM 608807.
Early-onset myopathy with fatal cardiomyopathy (CMYO5). Also called: CONGENITAL MYOPATHY 5 WITH CARDIOMYOPATHY; Salih Myopathy. Identifiers: Orphanet 289377, MedGen C2673677, MONDO:0012714, OMIM 611705. Disease mechanism: loss of function.
Myopathy, myofibrillar, 9, with early respiratory failure (MFM9). Also called: Myopathy, distal, with early respiratory failure, autosomal dominant; Hereditary myopathy with early respiratory failure; MYOPATHY, PROXIMAL, WITH EARLY RESPIRATORY MUSCLE INVOLVEMENT; EDSTROM MYOPATHY. Identifiers: Orphanet 178464, Orphanet 34521, MedGen C1863599, MONDO:0011362, OMIM 603689.
Tibial muscular dystrophy (TMD). Also called: Udd Distal Myopathy – Tibial Muscular Dystrophy; Tibial muscular dystrophy, tardive; UDD MYOPATHY. Identifiers: Orphanet 609, MedGen C1838244, MONDO:0010870, OMIM 600334.

Allele frequency attached by ClinVar (database versions not stated): TOPMed 0.01033; 1000 Genomes Project 30x 0.00578; 1000 Genomes Project 0.00579; ESP Exome Variant Server 0.01211; gnomAD 0.00987 and 0.01020.
gnomAD v4.1: 19,950 of 1,613,206 alleles (1.2%); highest among the groups gnomAD compares: Non-Finnish European, 1.5%; 171 homozygotes.

Submissions 1 to 20 of 32:

CeGaT Center for Human Genetics Tuebingen
Classification: Benign. Last evaluated: 2026-09-01. Review status: criteria provided, single submitter. Criteria: CeGaT Center For Human Genetics Tuebingen Variant Classification Criteria Version 2. Collection method: clinical testing. Allele origin: germline. Affected: yes. Observed: 121 variant alleles.
Comment: TTN: BP4, BS1, BS2

Labcorp Genetics (formerly Invitae), Labcorp
Classification: Benign for Dilated cardiomyopathy 1G; Autosomal recessive limb-girdle muscular dystrophy type 2J. Last evaluated: 2026-02-03. Review status: criteria provided, single submitter. Criteria: Invitae Variant Classification Sherloc (09022015). Collection method: clinical testing. Allele origin: germline.

ARUP Laboratories, Molecular Genetics and Genomics, ARUP Laboratories
Classification: Benign. Last evaluated: 2025-06-25. Review status: criteria provided, single submitter. Criteria: ARUP Molecular Germline Variant Investigation Process 2024. Collection method: clinical testing. Allele origin: germline.

Molecular Diagnostic Laboratory for Inherited Cardiovascular Disease, Montreal Heart Institute
Classification: Likely benign. Last evaluated: 2025-04-09. Review status: criteria provided, single submitter. Criteria: ACMG Guidelines, 2015. Collection method: clinical testing. Allele origin: germline. Affected: no.

Mayo Clinic Laboratories, Mayo Clinic
Classification: Benign. Last evaluated: 2025-02-24. Review status: criteria provided, single submitter. Criteria: ACMG Guidelines, 2015. Collection method: clinical testing. Allele origin: germline. Observed: 62 variant alleles.
Comment: BS1, BS2, BP4

Blueprint Genetics
Classification: Likely benign. Last evaluated: 2024-11-26. Review status: criteria provided, single submitter. Criteria: ACMG Guidelines, 2015. Collection method: clinical testing. Allele origin: germline.

Women's Health and Genetics/Laboratory Corporation of America, LabCorp
Classification: Likely benign. Last evaluated: 2024-03-11. Review status: criteria provided, single submitter. Criteria: LabCorp Variant Classification Summary - May 2015. Collection method: clinical testing. Allele origin: germline.

Athena Diagnostics
Classification: Benign. Last evaluated: 2024-03-08. Review status: criteria provided, single submitter. Criteria: Athena Diagnostics Criteria. Collection method: clinical testing. Allele origin: unknown.

Genome-Nilou Lab
Classification: Benign for Autosomal recessive limb-girdle muscular dystrophy type 2J. Last evaluated: 2021-09-10. Review status: criteria provided, single submitter. Criteria: ACMG Guidelines, 2015. Collection method: clinical testing. Allele origin: germline. Affected: no.

Genome-Nilou Lab
Classification: Benign for Myopathy, myofibrillar, 9, with early respiratory failure. Last evaluated: 2021-09-10. Review status: criteria provided, single submitter. Criteria: ACMG Guidelines, 2015. Collection method: clinical testing. Allele origin: germline. Affected: no.

Genome-Nilou Lab
Classification: Benign for Early-onset myopathy with fatal cardiomyopathy. Last evaluated: 2021-09-10. Review status: criteria provided, single submitter. Criteria: ACMG Guidelines, 2015. Collection method: clinical testing. Allele origin: germline. Affected: no.

Genome-Nilou Lab
Classification: Benign for Tibial muscular dystrophy. Last evaluated: 2021-09-10. Review status: criteria provided, single submitter. Criteria: ACMG Guidelines, 2015. Collection method: clinical testing. Allele origin: germline. Affected: no.

Center for Advanced Laboratory Medicine, UC San Diego Health, University of California San Diego
Classification: Benign for Cardiomyopathy; Hypertrophic cardiomyopathy; Congestive heart failure. Last evaluated: 2019-04-01. Review status: criteria provided, single submitter. Criteria: ACMG Guidelines, 2015. Collection method: clinical testing. Allele origin: germline. Affected: yes. Observed: 12 variant alleles.

Illumina Laboratory Services, Illumina
Classification: Benign for Myopathy, myofibrillar, 9, with early respiratory failure. Last evaluated: 2018-01-12. Review status: criteria provided, single submitter. Criteria: ICSL Variant Classification Criteria 13 December 2019. Collection method: clinical testing. Allele origin: germline.
Comment: This variant was observed in the ICSL laboratory as part of a predisposition screen in an ostensibly healthy population. It had not been previously curated by ICSL or reported in the Human Gene Mutation Database (HGMD: prior to June 1st, 2018), and was therefore a candidate for classification through an automated scoring system. Utilizing variant allele frequency, disease prevalence and penetrance estimates, and inheritance mode, an automated score was calculated to assess if this variant is too frequent to cause the disease. Based on the score and internal cut-off values, a variant classified as benign is not then subjected to further curation. The score for this variant resulted in a classification of benign for this disease.

Illumina Laboratory Services, Illumina
Classification: Likely benign for Autosomal recessive limb-girdle muscular dystrophy type 2J. Last evaluated: 2018-01-12. Review status: criteria provided, single submitter. Criteria: ICSL Variant Classification Criteria 13 December 2019. Collection method: clinical testing. Allele origin: germline.
Comment: This variant was observed in the ICSL laboratory as part of a predisposition screen in an ostensibly healthy population. It had not been previously curated by ICSL or reported in the Human Gene Mutation Database (HGMD: prior to June 1st, 2018), and was therefore a candidate for classification through an automated scoring system. Utilizing variant allele frequency, disease prevalence and penetrance estimates, and inheritance mode, an automated score was calculated to assess if this variant is too frequent to cause the disease. Based on the score and internal cut-off values, a variant classified as likely benign is not then subjected to further curation. The score for this variant resulted in a classification of likely benign for this disease.

Illumina Laboratory Services, Illumina
Classification: Likely benign for Early-onset myopathy with fatal cardiomyopathy. Last evaluated: 2018-01-12. Review status: criteria provided, single submitter. Criteria: ICSL Variant Classification Criteria 13 December 2019. Collection method: clinical testing. Allele origin: germline.
Comment: the same text as in the submission from Illumina Laboratory Services, Illumina above.

Illumina Laboratory Services, Illumina
Classification: Benign for Tibial muscular dystrophy. Last evaluated: 2018-01-12. Review status: criteria provided, single submitter. Criteria: ICSL Variant Classification Criteria 13 December 2019. Collection method: clinical testing. Allele origin: germline.
Comment: the same text as in the submission from Illumina Laboratory Services, Illumina above.

Illumina Laboratory Services, Illumina
Classification: Likely benign for Dilated cardiomyopathy 1G. Last evaluated: 2018-01-12. Review status: criteria provided, single submitter. Criteria: ICSL Variant Classification Criteria 13 December 2019. Collection method: clinical testing. Allele origin: germline.
Comment: the same text as in the submission from Illumina Laboratory Services, Illumina above.

CHEO Genetics Diagnostic Laboratory, Children's Hospital of Eastern Ontario
Classification: Benign for Cardiomyopathy. Last evaluated: 2015-12-03. Review status: criteria provided, single submitter. Criteria: ACMG Guidelines, 2015. Collection method: clinical testing. Allele origin: germline. Study: Canadian Open Genetics Repository.

Biesecker Lab/Clinical Genomics Section, National Institutes of Health
Classification: Benign. Last evaluated: 2013-06-24. Review status: criteria provided, single submitter. Criteria: Ng et al. (Circ Cardiovasc Genet. 2013). Collection method: research. Allele origin: unknown. Observed: 17 variant alleles. Study: ClinSeq.
Comment: The study set was not selected for affection status in relation to any cancer. Pathogenicity categories were based on literature curation. See Pubmed ID:23861362 for details.

Medical sequencing